The following is an entry in ClinVar:

ClinVar aggregate classification (germline): Likely pathogenic (1 of 4 stars; one submission).

Submission:

Labcorp Genetics (formerly Invitae), Labcorp
Classification: Likely pathogenic. Last evaluated: 2023-11-27. Review status: criteria provided, single submitter. Criteria: Invitae Variant Classification Sherloc (09022015). Collection method: clinical testing. Allele origin: germline.
Comment: This sequence change affects a donor splice site in intron 2 of the KIZ gene. It is expected to disrupt RNA splicing. Variants that disrupt the donor or acceptor splice site typically lead to a loss of protein function (PMID: 16199547), and loss-of-function variants in KIZ are known to be pathogenic (PMID: 24680887, 29057815). This variant is not present in population databases (gnomAD no frequency). This variant has not been reported in the literature in individuals affected with KIZ-related conditions. ClinVar contains an entry for this variant (Variation ID: 2112991). Algorithms developed to predict the effect of sequence changes on RNA splicing suggest that this variant may disrupt the consensus splice site. In summary, the currently available evidence indicates that the variant is pathogenic, but additional data are needed to prove that conclusively. Therefore, this variant has been classified as Likely Pathogenic.

Literature cited by the submitters: PubMed 16199547; PubMed 24680887; PubMed 29057815.

NM_018474.6(KIZ):c.153-2A>G

Gene: KIZ (kizuna centrosomal protein; plus strand). Cytogenetic location: 20p11.23.
Variant type: single nucleotide variant.
Coding change: c.153-2A>G on transcript NM_018474.6 (MANE Select); the canonical splice acceptor site of the intron before coding-DNA position 153, A replaced by G.
Molecular consequence: splice acceptor variant. On other transcripts: intron variant (4).
Genome position (GRCh38, 1-based): chr20:21,136,388, A>G. VCF-style: chr20-21136388-A-G. GRCh37 (hg19) VCF-style: chr20-21117029-A-G.
Other names: c.169-9177A>G (NM_001276389.2); c.-234-2A>G (NM_001352436.2); c.153-2A>G (NM_001352434.2); c.6+4229A>G (NM_001163022.3, NM_001352435.2, NM_001163023.3).
Identifiers: ClinVar variation 2112991 (VCV002112991.4), dbSNP rs1358557669, ClinGen allele CA408488310.
Genomic context (GRCh38, chr20:21,136,388, plus strand): 5'-TTCCCTTTCTTAGATTCGTCCAAGTCTAGTCCATTGTTTTAAAACTGCTTTTAATTTTCT[A>G]GAGTTAAGCTGAAATATGTAAAACTAAAGAATTATCTGAAGGAAATATGTGAATCTGAAA-3'